The following is an entry in ClinVar:

ClinVar aggregate classification (germline): Likely benign. Review status: reviewed by expert panel (3 of 4 stars). 2 submissions from 2 submitters: Likely benign (1). 1 of the submissions does not count toward it. Last evaluated 2026-04-29.

Conditions:
Hereditary thrombocytopenia and hematologic cancer predisposition syndrome. Identifiers: Orphanet 71290, MedGen CN281654, MONDO:0011071.
Hereditary thrombocytopenia and hematological cancer predisposition syndrome associated with RUNX1. Also called: PLATELET DISORDER, ASPIRIN-LIKE; RUNX1 Familial Platelet Disorder with Associated Myeloid Malignancies; Familial Platelet Disorder with Propensity to Acute Myelogenous Leukemia; Familial thrombocytopenia with propensity to acute myelogenous leukemia. Identifiers: Orphanet 71290, MedGen C1832388, MeSH C563324, MONDO:0100083, OMIM 601399.

gnomAD v4.1: 1 of 1,612,754 alleles (0.000062%); highest among the groups gnomAD compares: Non-Finnish European, 0.000085%; no homozygotes.

Submissions (2):

ClinGen Myeloid Malignancy Variant Curation Expert Panel
Classification: Likely benign for Hereditary thrombocytopenia and hematologic cancer predisposition syndrome. Last evaluated: 2026-04-29. Review status: reviewed by expert panel. Criteria: ClinGen MyeloMalig ACMG Specifications V3.1. Collection method: curation. Allele origin: germline. Inheritance: Autosomal dominant inheritance.
Comment: NM_001754.5(RUNX1):c.670C>A (p.Arg224=) is a synonymous variant which has a SpliceAI score ≤ 0.20 (0.02) (BP4, BP7). This variant has a MAF ≤ 0.00005 in gnomAD v4 across all subpopulations with at least 20x coverage for RUNX1 (PM2_supporting). In summary, this variant meets criteria to be classified as likely benign. ACMG/AMP criteria applied, as specified by the Myeloid Malignancy Variant Curation Expert Panel for RUNX1: BP4, BP7, PM2_supporting.

Labcorp Genetics (formerly Invitae), Labcorp
Classification: Likely benign for Hereditary thrombocytopenia and hematological cancer predisposition syndrome associated with RUNX1. Last evaluated: 2022-08-23. Review status: criteria provided, single submitter. Criteria: Invitae Variant Classification Sherloc (09022015). Collection method: clinical testing. Allele origin: germline. Not counted in ClinVar's aggregate classification.

NM_001754.5(RUNX1):c.670C>A (p.Arg224=)

Gene: RUNX1 (RUNX family transcription factor 1; minus strand). Cytogenetic location: 21q22.12.
Variant type: single nucleotide variant.
Coding change: c.670C>A on transcript NM_001754.5 (MANE Select); coding-DNA position 670, C replaced by A.
Protein change: p.Arg224=; no amino-acid change (arginine 224 retained).
Molecular consequence: synonymous variant.
Genome position (GRCh38, 1-based): chr21:34,834,545, G>T on the plus strand (C>A on the coding strand, the complement: RUNX1 is on the minus strand). VCF-style: chr21-34834545-G-T. GRCh37 (hg19) VCF-style: chr21-36206842-G-T.
Other names: NM_001754.5(RUNX1):c.670C>A; p.Arg224=; c.589C>A, p.Arg197= (NM_001001890.3, NM_001122607.2).
Identifiers: ClinVar variation 1099856 (VCV001099856.14), dbSNP rs2057114397, ClinGen allele CA512318662.